The following is an entry in ClinVar:

ClinVar aggregate classification (germline): Pathogenic (1 of 4 stars; one submission).

Conditions:
Hereditary spastic paraplegia 11. Also called: Spastic Paraplegia 11; SPASTIC PARAPLEGIA, AUTOSOMAL RECESSIVE, COMPLICATED, WITH THIN CORPUS CALLOSUM; SPASTIC PARAPLEGIA, AUTOSOMAL RECESSIVE, WITH MENTAL IMPAIRMENT AND THIN CORPUS CALLOSUM; Nakamura Osame syndrome; Autosomal recessive hereditary spastic paraplegia, mental impairment, and thin corpus callosum; Spastic paraplegia, mental retardation and thin corpus callosum. Identifiers: Orphanet 2822, MedGen C1858479, MONDO:0011445, OMIM 604360.

Submission:

Labcorp Genetics (formerly Invitae), Labcorp
Classification: Pathogenic for Hereditary spastic paraplegia 11. Last evaluated: 2024-05-25. Review status: criteria provided, single submitter. Criteria: Invitae Variant Classification Sherloc (09022015). Collection method: clinical testing. Allele origin: germline.
Comment: This sequence change creates a premature translational stop signal (p.Arg1563Glyfs*44) in the SPG11 gene. It is expected to result in an absent or disrupted protein product. Loss-of-function variants in SPG11 are known to be pathogenic (PMID: 19105190, 20110243, 22154821, 26556829). This variant is not present in population databases (gnomAD no frequency). This variant has not been reported in the literature in individuals affected with SPG11-related conditions. For these reasons, this variant has been classified as Pathogenic.

Literature cited by the submitters: PubMed 19105190; PubMed 20110243; PubMed 22154821; PubMed 26556829.

NM_025137.4(SPG11):c.4687del (p.Arg1563fs)

Gene: SPG11 (SPG11 vesicle trafficking associated, spatacsin; minus strand). Cytogenetic location: 15q21.1.
Variant type: Deletion.
Coding change: c.4687del on transcript NM_025137.4 (MANE Select); coding-DNA position 4687, one base deleted (A; older notation c.4687delA).
Protein change: p.Arg1563fs; shifts the reading frame from arginine 1563.
Molecular consequence: frameshift variant.
Genome position (GRCh38, 1-based): chr15:44,592,387, T deleted on the plus strand (A on the coding strand, the reverse complement: SPG11 is on the minus strand). VCF-style (leftmost placement, unchanged base first): chr15-44592386-CT-C. GRCh37 (hg19) VCF-style: chr15-44884584-CT-C.
Other names: c.4687del, p.Arg1563fs (NM_001160227.2, NM_001411132.1); short protein forms R1563fs.
Identifiers: ClinVar variation 3701637 (VCV003701637.2).